The following is an entry in ClinVar:

ClinVar aggregate classification (germline): Uncertain significance (1 of 4 stars; one submission).

Conditions:
Cystic fibrosis (CF). Also called: MUCOVISCIDOSIS. Identifiers: Orphanet 586, MedGen C0010674, MONDO:0009061, OMIM 219700. Disease mechanism: loss of function.

Allele frequency attached by ClinVar (database versions not stated): gnomAD exomes below 0.00001.
gnomAD v4.1: 1 of 1,570,534 alleles (0.000064%); highest among the groups gnomAD compares: Non-Finnish European, 0.000087%; no homozygotes.

Submission:

Ambry Genetics
Classification: Uncertain significance for Cystic fibrosis. Last evaluated: 2023-11-15. Review status: criteria provided, single submitter. Criteria: Ambry Variant Classification Scheme 2023. Collection method: clinical testing. Allele origin: germline.
Comment: The p.V591I variant (also known as c.1771G>A), located in coding exon 14 of the CFTR gene, results from a G to A substitution at nucleotide position 1771. The valine at codon 591 is replaced by isoleucine, an amino acid with highly similar properties. This amino acid position is conserved. In addition, the in silico prediction for this alteration is inconclusive. Since supporting evidence is limited at this time, the clinical significance of this alteration remains unclear.

NM_000492.4(CFTR):c.1771G>A (p.Val591Ile)

Gene: CFTR (CF transmembrane conductance regulator; plus strand). Cytogenetic location: 7q31.2.
Variant type: single nucleotide variant.
Coding change: c.1771G>A on transcript NM_000492.4 (MANE Select); coding-DNA position 1771, G replaced by A.
Protein change: p.Val591Ile; replaces valine 591 with isoleucine.
Molecular consequence: missense variant.
Genome position (GRCh38, 1-based): chr7:117,591,938, G>A. VCF-style: chr7-117591938-G-A. GRCh37 (hg19) VCF-style: chr7-117231992-G-A.
Other names: short protein forms V591I.
Identifiers: ClinVar variation 3231835 (VCV003231835.1), dbSNP rs2485109072, ClinGen allele CA368977742.